The following is an entry in ClinVar:

NM_177438.3(DICER1):c.2529dup (p.Glu844Ter)

Gene: DICER1 (dicer 1, ribonuclease III; minus strand). Cytogenetic location: 14q32.13.
Variant type: Duplication.
Coding change: c.2529dup on transcript NM_177438.3 (MANE Select); coding-DNA position 2529, one base duplicated (T; older notation c.2529dupT).
Protein change: p.Glu844Ter; replaces glutamic acid 844 with a stop codon.
Molecular consequence: nonsense. On other transcripts: frameshift variant (2), non-coding transcript variant (6).
Genome position (GRCh38, 1-based): chr14:95,108,001, A duplicated on the plus strand (T on the coding strand, the reverse complement: DICER1 is on the minus strand); the first of 2 consecutive A bases (chr14:95,108,001-95,108,002); duplicating either gives the same sequence. VCF-style (leftmost placement, unchanged base first): chr14-95108000-C-CA. GRCh37 (hg19) VCF-style: chr14-95574337-C-CA.
Other names: c.2529dup, p.Glu844Ter (NM_001195573.1, NM_001271282.3, NM_001291628.2 and 12 more transcripts); c.2528dup, p.Glu844Terfs (NM_001395681.1); c.2247dup, p.Glu750Ter (NM_001395686.1); c.2124dup, p.Glu709Ter (NM_001395687.1, NM_001395688.1, NM_001395689.1 and 2 more transcripts); c.1962dup, p.Glu655Ter (NM_001395691.1); c.846dup, p.Glu283Ter (NM_001395697.1); c.2529dupT (NM_177438.2); short protein forms E655*, E750*, E709*, E283*, E844*.
Identifiers: ClinVar variation 1792633 (VCV001792633.2), dbSNP rs2542841424, ClinGen allele CA2580089075.
Genomic context (GRCh38, chr14:95,108,000, plus strand): 5'-CAGGTTTTTCAAGCCGAAGAATATGTGAGAATATATACTGGTGAAGTCTTGTAATCAACT[C>CA]AAGCATTTGTAGAGACAACATGAAACCAGACTTCTTCAACTCAATGGATATGGTAACCTC-3'

ClinVar aggregate classification (germline): Pathogenic (1 of 4 stars; one submission).

Conditions:
Hereditary cancer-predisposing syndrome. Also called: Hereditary Cancer Syndrome; Hereditary neoplastic syndrome; Tumor predisposition; Neoplastic Syndromes, Hereditary. Identifiers: Orphanet 140162, MedGen C0027672, MeSH D009386, MONDO:0015356.

Submission:

Ambry Genetics
Classification: Pathogenic for Hereditary cancer-predisposing syndrome. Last evaluated: 2021-10-19. Review status: criteria provided, single submitter. Criteria: Ambry Variant Classification Scheme 2023. Collection method: clinical testing. Allele origin: germline.
Comment: The c.2529dupT pathogenic mutation, located in coding exon 15 of the DICER1 gene, results from a duplication of T at nucleotide position 2529, causing a translational frameshift with a predicted alternate stop codon (p.E844*). This variant is considered to be rare based on population cohorts in the Genome Aggregation Database (gnomAD). This alteration is expected to result in loss of function by premature protein truncation or nonsense-mediated mRNA decay. As such, this alteration is interpreted as a disease-causing mutation.